The following is an entry in ClinVar:

NM_025114.4(CEP290):c.7143A>G (p.Leu2381=)

Gene: CEP290 (centrosomal protein 290; minus strand). Cytogenetic location: 12q21.32.
Variant type: single nucleotide variant.
Coding change: c.7143A>G on transcript NM_025114.4 (MANE Select); coding-DNA position 7143, A replaced by G.
Protein change: p.Leu2381=; no amino-acid change (leucine 2381 retained).
Molecular consequence: synonymous variant.
Genome position (GRCh38, 1-based): chr12:88,050,420, T>C on the plus strand (A>G on the coding strand, the complement: CEP290 is on the minus strand). VCF-style: chr12-88050420-T-C. GRCh37 (hg19) VCF-style: chr12-88444197-T-C.
Other names: c.7143A>G (NM_025114.3).
Identifiers: ClinVar variation 2932953 (VCV002932953.4), dbSNP rs766938807, ClinGen allele CA6711341.

ClinVar aggregate classification (germline): Likely benign. Review status: criteria provided, single submitter (1 of 4 stars). 2 submissions from 2 submitters: Likely benign (1). 1 of the submissions does not count toward it. Last evaluated 2024-02-13.

Conditions:
CEP290-related disorder. Also called: CEP290-related condition; CEP290-related disorders. Identifiers: MedGen CN239314.
Joubert syndrome. Also called: CEREBELLOPARENCHYMAL DISORDER IV; JOUBERT-BOLTSHAUSER SYNDROME; Familial aplasia of the vermis. Identifiers: Orphanet 475, MedGen C5979921, MONDO:0018772.
Nephronophthisis. Also called: Juvenile Nephronophthisis. Identifiers: Orphanet 655, MedGen C0687120, MONDO:0019005, HP:0000090.
Meckel-Gruber syndrome. Also called: DYSENCEPHALIA SPLANCHNOCYSTICA; GRUBER SYNDROME; Dysencephalia splachnocystica. Identifiers: Orphanet 564, MedGen C0265215, MONDO:0018921.

Allele frequency attached by ClinVar (database versions not stated): ExAC 0.00001.
gnomAD v4.1: 2 of 1,545,464 alleles (0.00013%); highest among the groups gnomAD compares: Non-Finnish European, 0.00018%; no homozygotes.

Submissions (2):

Labcorp Genetics (formerly Invitae), Labcorp
Classification: Likely benign for Joubert syndrome; Meckel-Gruber syndrome; Nephronophthisis. Last evaluated: 2024-02-13. Review status: criteria provided, single submitter. Criteria: Invitae Variant Classification Sherloc (09022015). Collection method: clinical testing. Allele origin: germline.

PreventionGenetics, part of Exact Sciences
Classification: Likely benign for CEP290-related condition. Last evaluated: 2023-09-05. Review status: no assertion criteria provided. Collection method: clinical testing. Allele origin: germline. Not counted in ClinVar's aggregate classification.
Comment: This variant is classified as likely benign based on ACMG/AMP sequence variant interpretation guidelines (Richards et al. 2015 PMID: 25741868, with internal and published modifications).